The following is an entry in ClinVar:

NM_004972.4(JAK2):c.350+6T>C

Genes: INSL6 (insulin like 6; minus strand), JAK2 (Janus kinase 2; plus strand). Cytogenetic location: 9p24.1.
Variant type: single nucleotide variant.
Coding change: c.350+6T>C on transcript NM_004972.4 (MANE Select); 6 bases into the intron after coding-DNA position 350, T replaced by C.
Molecular consequence: intron variant.
Genome position (GRCh38, 1-based): chr9:5,029,912, T>C. VCF-style: chr9-5029912-T-C. GRCh37 (hg19) VCF-style: chr9-5029912-T-C.
Other names: c.350+6T>C (NM_001322194.2, NM_001322195.2, NM_001322196.2); c.-771+6T>C (NM_001322198.2, NM_001322199.2).
Identifiers: ClinVar variation 2114174 (VCV002114174.4), dbSNP rs753508497, ClinGen allele CA2580080209.

ClinVar aggregate classification (germline): Uncertain significance (1 of 4 stars; one submission).

Submission:

Labcorp Genetics (formerly Invitae), Labcorp
Classification: Uncertain significance. Last evaluated: 2022-03-19. Review status: criteria provided, single submitter. Criteria: Invitae Variant Classification Sherloc (09022015). Collection method: clinical testing. Allele origin: germline.
Comment: This sequence change falls in intron 4 of the JAK2 gene. It does not directly change the encoded amino acid sequence of the JAK2 protein. It affects a nucleotide within the consensus splice site. This variant is not present in population databases (gnomAD no frequency). This variant has not been reported in the literature in individuals affected with JAK2-related conditions. Variants that disrupt the consensus splice site are a relatively common cause of aberrant splicing (PMID: 17576681, 9536098). Algorithms developed to predict the effect of sequence changes on RNA splicing suggest that this variant is not likely to affect RNA splicing. In summary, the available evidence is currently insufficient to determine the role of this variant in disease. Therefore, it has been classified as a Variant of Uncertain Significance.

Literature cited by the submitters: PubMed 17576681; PubMed 9536098.